The following is an entry in ClinVar:

ClinVar aggregate classification (germline): Likely benign. Review status: criteria provided, single submitter (1 of 4 stars). 2 submissions from 2 submitters: Likely benign (1). 1 of the submissions does not count toward it. Last evaluated 2025-12-30.

Conditions:
MTOR-related disorder. Also called: MTOR-related condition.

Allele frequency attached by ClinVar (database versions not stated): gnomAD 0.00004 and 0.00003; 1000 Genomes Project 0.00020; gnomAD exomes 0.00005 and 0.00004; TOPMed 0.00006; ESP Exome Variant Server 0.00015; ExAC 0.00007; 1000 Genomes Project 30x 0.00016.

Submissions (2):

Labcorp Genetics (formerly Invitae), Labcorp
Classification: Likely benign. Last evaluated: 2025-12-30. Review status: criteria provided, single submitter. Criteria: Invitae Variant Classification Sherloc (09022015). Collection method: clinical testing. Allele origin: germline.

PreventionGenetics, part of Exact Sciences
Classification: Likely benign for MTOR-related condition. Last evaluated: 2024-03-20. Review status: no assertion criteria provided. Collection method: clinical testing. Allele origin: germline. Not counted in ClinVar's aggregate classification.
Comment: This variant is classified as likely benign based on ACMG/AMP sequence variant interpretation guidelines (Richards et al. 2015 PMID: 25741868, with internal and published modifications).

NM_004958.4(MTOR):c.4896C>T (p.Asp1632=)

Gene: MTOR (mechanistic target of rapamycin kinase; minus strand). Cytogenetic location: 1p36.22.
Variant type: single nucleotide variant.
Coding change: c.4896C>T on transcript NM_004958.4 (MANE Select); coding-DNA position 4896, C replaced by T.
Protein change: p.Asp1632=; no amino-acid change (aspartic acid 1632 retained).
Molecular consequence: synonymous variant.
Genome position (GRCh38, 1-based): chr1:11,139,635, G>A on the plus strand (C>T on the coding strand, the complement: MTOR is on the minus strand). VCF-style: chr1-11139635-G-A. GRCh37 (hg19) VCF-style: chr1-11199692-G-A.
Other names: c.4896C>T, p.Asp1632= (NM_001386500.1); c.3648C>T, p.Asp1216= (NM_001386501.1); c.4896C>T (NM_004958.3).
Identifiers: ClinVar variation 1082123 (VCV001082123.10), dbSNP rs143857647, ClinGen allele CA589505.